The following is an entry in ClinVar:

ClinVar aggregate classification (germline): Conflicting classifications of pathogenicity. Review status: criteria provided, conflicting classifications (1 of 4 stars). 6 submissions from 6 submitters: Pathogenic (1); Likely pathogenic (2); Uncertain significance (3). Last evaluated 2026-08-19.

Conditions:
Propionic acidemia (PROP). Also called: GLYCINEMIA, KETOTIC; HYPERGLYCINEMIA WITH KETOACIDOSIS AND LEUKOPENIA; KETOTIC HYPERGLYCINEMIA. Identifiers: Orphanet 35, MedGen C0268579, MONDO:0011628, OMIM 606054, HP:0003571.
PCCB-related disorder. Also called: PCCB-related condition.

gnomAD v4.1: 2 of 1,614,172 alleles (0.00012%); highest among the groups gnomAD compares: Non-Finnish European, 0.00017%; no homozygotes.

Submissions (6):

Myriad Genetics, Inc.
Classification: Uncertain significance for Propionic acidemia. Last evaluated: 2026-08-19. Review status: criteria provided, single submitter. Criteria: Myriad Autosomal Dominant, Autosomal Recessive and X-Linked Classification Criteria (2023). Collection method: clinical testing. Allele origin: unknown.
Comment: NM_000532.4(PCCB):c.1253C>T(A418V) is a missense variant classified as a variant of uncertain significance in the context of PCCB-related propionic acidemia. A418V has been observed in cases with relevant disease (PMID: 19099776, 35331292, 37689673, Article_Liang_2024). Relevant functional assessments of this variant are not available in the literature. A418V has not been observed in referenced population frequency databases. In summary, there is insufficient evidence to classify NM_000532.4(PCCB):c.1253C>T(A418V) as pathogenic or benign. Please note: this variant was assessed in the context of healthy population screening.

Fulgent Genetics
Classification: Likely pathogenic for Propionic acidemia. Last evaluated: 2024-05-18. Review status: criteria provided, single submitter. Criteria: ACMG Guidelines, 2015. Collection method: clinical testing. Allele origin: germline.

Women's Health and Genetics/Laboratory Corporation of America, LabCorp
Classification: Uncertain significance. Last evaluated: 2024-05-15. Review status: criteria provided, single submitter. Criteria: LabCorp Variant Classification Summary - May 2015. Collection method: clinical testing. Allele origin: germline.
Comment: Variant summary: PCCB c.1253C>T (p.Ala418Val) results in a non-conservative amino acid change located in the Acetyl-coenzyme A carboxyltransferase, C-terminal domain (IPR011763) of the encoded protein sequence. Five of five in-silico tools predict a damaging effect of the variant on protein function. The variant was absent in 251122 control chromosomes. The available data on variant occurrences in the general population are insufficient to allow any conclusion about variant significance. c.1253C>T has been reported in the literature in compound heterozygous state with a pathogenic variant in an individual affected with Propionic Acidemia (Liu_2022). These data do not allow any conclusion about variant significance. To our knowledge, no experimental evidence demonstrating an impact on protein function has been reported. The following publications have been ascertained in the context of this evaluation (PMID: 19099776, 35331292). ClinVar contains an entry for this variant (Variation ID: 2203447). Based on the evidence outlined above, the variant was classified as uncertain significance.

Blueprint Genetics
Classification: Pathogenic for PCCB-related disorders. Last evaluated: 2024-04-09. Review status: criteria provided, single submitter. Criteria: ACMG Guidelines, 2015. Collection method: clinical testing. Allele origin: germline. Affected: yes. Observed: 1 variant allele.

Labcorp Genetics (formerly Invitae), Labcorp
Classification: Uncertain significance for Propionic acidemia. Last evaluated: 2022-06-19. Review status: criteria provided, single submitter. Criteria: Invitae Variant Classification Sherloc (09022015). Collection method: clinical testing. Allele origin: germline.
Comment: This sequence change replaces alanine, which is neutral and non-polar, with valine, which is neutral and non-polar, at codon 418 of the PCCB protein (p.Ala418Val). This variant is not present in population databases (gnomAD no frequency). This missense change has been observed in individual(s) with propionic acidemia (PMID: 19099776). Advanced modeling of protein sequence and biophysical properties (such as structural, functional, and spatial information, amino acid conservation, physicochemical variation, residue mobility, and thermodynamic stability) performed at Invitae indicates that this missense variant is expected to disrupt PCCB protein function. In summary, the available evidence is currently insufficient to determine the role of this variant in disease. Therefore, it has been classified as a Variant of Uncertain Significance.

Juno Genomics, Hangzhou Juno Genomics, Inc
Classification: Likely pathogenic for Propionic acidemia. Review status: criteria provided, single submitter. Criteria: ACMG Guidelines, 2015. Collection method: clinical testing. Allele origin: germline.
Comment: Absent from controls (or at extremely low frequency if recessive) in Genome Aggregation Database.;Multiple lines of computational evidence support a deleterious effect on the gene or gene product.;For recessive disorders, detected in trans with a pathogenic variant.;Patient's phenotype or family history is highly specific for a disease with a single genetic etiology.

Literature cited by the submitters: PubMed 35331292 (cited by Women's Health and Genetics/Laboratory Corporation of America, LabCorp); PubMed 19099776 (cited by Women's Health and Genetics/Laboratory Corporation of America, LabCorp and Labcorp Genetics (formerly Invitae), Labcorp).

NM_000532.5(PCCB):c.1253C>T (p.Ala418Val)

Gene: PCCB (propionyl-CoA carboxylase subunit beta; plus strand). Cytogenetic location: 3q22.3.
Variant type: single nucleotide variant.
Coding change: c.1253C>T on transcript NM_000532.5 (MANE Select); coding-DNA position 1253, C replaced by T.
Protein change: p.Ala418Val; replaces alanine 418 with valine.
Molecular consequence: missense variant.
Genome position (GRCh38, 1-based): chr3:136,327,209, C>T. VCF-style: chr3-136327209-C-T. GRCh37 (hg19) VCF-style: chr3-136046051-C-T.
Other names: c.1313C>T, p.Ala438Val (NM_001178014.2); short protein forms A418V, A438V.
Identifiers: ClinVar variation 2203447 (VCV002203447.6), dbSNP rs770279302, ClinGen allele CA354649160.
Genomic context (GRCh38, chr3:136,327,209, plus strand): 5'-GTCTAGGCACAGCACAGGAATACGGGGGCATCATCCGGCATGGTGCCAAGCTTCTCTACG[C>T]ATTTGCTGAGGCAACTGTACCCAAAGTCACAGTCATCACCAGGAAGGTGAGGACCTCATG-3'
Protein context (NP_000523.2, residues 408-428): IIRHGAKLLY[Ala418Val]FAEATVPKVT